The following is an entry in ClinVar:

NM_001142864.4(PIEZO1):c.4958G>A (p.Arg1653His)

Gene: PIEZO1 (piezo type mechanosensitive ion channel component 1 (Er blood group); minus strand). Cytogenetic location: 16q24.3.
Variant type: single nucleotide variant.
Coding change: c.4958G>A on transcript NM_001142864.4 (MANE Select); coding-DNA position 4958, G replaced by A.
Protein change: p.Arg1653His; replaces arginine 1653 with histidine.
Molecular consequence: missense variant.
Genome position (GRCh38, 1-based): chr16:88,722,064, C>T on the plus strand (G>A on the coding strand, the complement: PIEZO1 is on the minus strand). VCF-style: chr16-88722064-C-T. GRCh37 (hg19) VCF-style: chr16-88788472-C-T.
Other names: short protein forms R1653H.
Identifiers: ClinVar variation 1330925 (VCV001330925.11), dbSNP rs992473797, ClinGen allele CA286409694.

ClinVar aggregate classification (germline): Conflicting classifications of pathogenicity. Review status: criteria provided, conflicting classifications (1 of 4 stars). 4 submissions from 4 submitters: Uncertain significance (2); Likely benign (2). Last evaluated 2025-03-06.

Allele frequency attached by ClinVar (database versions not stated): gnomAD exomes 0.00003; gnomAD 0.00004 and 0.00005; TOPMed 0.00009.
gnomAD v4.1: 45 of 1,544,892 alleles (0.0029%); highest among the groups gnomAD compares: African/African-American, 0.0082%; no homozygotes.

Submissions (4):

Labcorp Genetics (formerly Invitae), Labcorp
Classification: Uncertain significance. Last evaluated: 2025-03-06. Review status: criteria provided, single submitter. Criteria: Invitae Variant Classification Sherloc (09022015). Collection method: clinical testing. Allele origin: germline.
Comment: This sequence change replaces arginine, which is basic and polar, with histidine, which is basic and polar, at codon 1653 of the PIEZO1 protein (p.Arg1653His). This variant is present in population databases (no rsID available, gnomAD 0.006%). This variant has not been reported in the literature in individuals affected with PIEZO1-related conditions. ClinVar contains an entry for this variant (Variation ID: 1330925). An algorithm developed to predict the effect of missense changes on protein structure and function outputs the following: PolyPhen-2: "Benign". The histidine amino acid residue is found in multiple mammalian species, which suggests that this missense change does not adversely affect protein function. In summary, the available evidence is currently insufficient to determine the role of this variant in disease. Therefore, it has been classified as a Variant of Uncertain Significance.

Revvity Omics, Revvity
Classification: Uncertain significance. Last evaluated: 2024-11-13. Review status: criteria provided, single submitter. Criteria: ACMG Guidelines, 2015. Collection method: clinical testing. Allele origin: germline.

ARUP Laboratories, Molecular Genetics and Genomics, ARUP Laboratories
Classification: Likely benign. Last evaluated: 2021-04-16. Review status: criteria provided, single submitter. Criteria: ARUP Molecular Germline Variant Investigation Process 2021. Collection method: clinical testing. Allele origin: germline.

Breakthrough Genomics
Classification: Likely benign. Review status: criteria provided, single submitter. Criteria: ACMG Guidelines, 2015. Collection method: not provided. Allele origin: germline. Inheritance: Autosomal recessive inheritance. Affected: yes.